The following is an entry in ClinVar:

ClinVar aggregate classification (germline): Uncertain significance (1 of 4 stars; one submission).

gnomAD v4.1: 6 of 1,613,246 alleles (0.00037%); highest among the groups gnomAD compares: East Asian, 0.013%; no homozygotes.

Submission:

GeneDx
Classification: Uncertain significance. Last evaluated: 2024-05-28. Review status: criteria provided, single submitter. Criteria: GeneDx Variant Classification Process June 2021. Collection method: clinical testing. Allele origin: germline. Affected: yes.
Comment: Not observed at significant frequency in large population cohorts (gnomAD); In silico analysis supports that this missense variant has a deleterious effect on protein structure/function; Has not been previously published as pathogenic or benign to our knowledge

NM_001039141.3(TRIOBP):c.4657A>G (p.Arg1553Gly)

Gene: TRIOBP (TRIO and F-actin binding protein; plus strand). Cytogenetic location: 22q13.1.
Variant type: single nucleotide variant.
Coding change: c.4657A>G on transcript NM_001039141.3 (MANE Select); coding-DNA position 4657, A replaced by G.
Protein change: p.Arg1553Gly; replaces arginine 1553 with glycine.
Molecular consequence: missense variant.
Genome position (GRCh38, 1-based): chr22:37,734,993, A>G. VCF-style: chr22-37734993-A-G. GRCh37 (hg19) VCF-style: chr22-38131000-A-G.
Other names: short protein forms R1553G.
Identifiers: ClinVar variation 3383599 (VCV003383599.1).
Genomic context (GRCh38, chr22:37,734,993, plus strand): 5'-ACACCCACTGCTGTGGGCTGGGGGGCAGAGGGAGCGTGTCCATACCCGCGTGGCTCTGAG[A>G]GGCGACCCGAGCTTGACTGGAGGGATCTGCTTGGCCTTCTCCGGGCACCAGGAGAGGGGG-3'
Protein context (NP_001034230.1, residues 1543-1563): GACPYPRGSE[Arg1553Gly]RPELDWRDLL